The following is an entry in ClinVar:

ClinVar aggregate classification (germline): Pathogenic/Likely pathogenic. Review status: criteria provided, multiple submitters, no conflicts (2 of 4 stars). 4 submissions from 4 submitters: Pathogenic (3); Likely pathogenic (1). Last evaluated 2025-08-05.

Conditions:
Renal tubular acidosis with progressive nerve deafness. Also called: Distal Renal Tubular Acidosis with Progressive Sensorineural Deafness; renal tubular acidosis, distal, 2, with progressive sensorineural hearing loss; RENAL TUBULAR ACIDOSIS, AUTOSOMAL RECESSIVE, WITH PROGRESSIVE NERVE DEAFNESS; RTA WITH PROGRESSIVE NERVE DEAFNESS. Identifiers: MedGen C0403554, MONDO:0009968, OMIM 267300.

Submissions (4):

Myriad Genetics, Inc.
Classification: Likely pathogenic for Renal tubular acidosis with progressive nerve deafness. Last evaluated: 2025-08-05. Review status: criteria provided, single submitter. Criteria: Myriad Autosomal Dominant, Autosomal Recessive and X-Linked Classification Criteria (2023). Collection method: clinical testing. Allele origin: unknown.
Comment: NM_001692.3(ATP6V1B1):c.1401_1402dupGT(F468Cfs*20) is a frameshift variant classified as likely pathogenic in the context of distal renal tubular acidosis with deafness, ATP6V1B1-related. F468Cfs*20 has been observed in cases with relevant disease (PMID: 25984047, 18368028). Relevant functional assessments of this variant are not available in the literature. F468Cfs*20 has not been observed in referenced population frequency databases. In summary, NM_001692.3(ATP6V1B1):c.1401_1402dupGT(F468Cfs*20) is a frameshift variant that has functional support for pathogenicity and has been observed more frequently in cases with the relevant disease than in healthy populations. Please note: this variant was assessed in the context of healthy population screening.

GeneDx
Classification: Pathogenic. Last evaluated: 2023-04-18. Review status: criteria provided, single submitter. Criteria: GeneDx Variant Classification Process June 2021. Collection method: clinical testing. Allele origin: germline. Affected: yes.
Comment: Frameshift variant predicted to result in protein truncation as the last 46 amino acids are replaced with 19 different amino acids, although loss-of-function variants have not been reported downstream of this position in the protein; Published functional studies demonstrate a damaging effect, including abnormal cytoplasmic and nuclear localization with damaged cell growth (Fuster et al., 2008; Zhang et al., 2014); Not observed at significant frequency in large population cohorts (gnomAD); This variant is associated with the following publications: (PMID: 25164082, 18368028, 8651253)

Labcorp Genetics (formerly Invitae), Labcorp
Classification: Pathogenic. Last evaluated: 2022-09-04. Review status: criteria provided, single submitter. Criteria: Invitae Variant Classification Sherloc (09022015). Collection method: clinical testing. Allele origin: germline.
Comment: For these reasons, this variant has been classified as Pathogenic. Experimental studies have shown that this premature translational stop signal affects ATP6V1B1 function (PMID: 18368028). Algorithms developed to predict the effect of variants on protein structure and function are not available or were not evaluated for this variant. This premature translational stop signal has been observed in individual(s) with distal renal tubular acidosis with deafness (PMID: 8651253, 18368028, 25164082). It has also been observed to segregate with disease in related individuals. This variant is not present in population databases (gnomAD no frequency). This sequence change creates a premature translational stop signal (p.Phe468Cysfs*20) in the ATP6V1B1 gene. While this is not anticipated to result in nonsense mediated decay, it is expected to disrupt the last 46 amino acid(s) of the ATP6V1B1 protein.

Fulgent Genetics
Classification: Pathogenic for Renal tubular acidosis with progressive nerve deafness. Last evaluated: 2022-03-23. Review status: criteria provided, single submitter. Criteria: ACMG Guidelines, 2015. Collection method: clinical testing. Allele origin: unknown.

Literature cited by the submitters: PubMed 18368028 (cited by Myriad Genetics, Inc. and Labcorp Genetics (formerly Invitae), Labcorp); PubMed 25984047 (cited by Myriad Genetics, Inc.); PubMed 8651253 (cited by Labcorp Genetics (formerly Invitae), Labcorp); PubMed 25164082 (cited by Labcorp Genetics (formerly Invitae), Labcorp).

NM_001692.4(ATP6V1B1):c.1401_1402dup (p.Phe468fs)

Gene: ATP6V1B1 (ATPase H+ transporting V1 subunit B1; plus strand). Cytogenetic location: 2p13.3.
Variant type: Microsatellite.
Coding change: c.1401_1402dup on transcript NM_001692.4 (MANE Select); coding-DNA positions 1401 to 1402, 2 bases duplicated (GT; older notation c.1401_1402dupGT).
Protein change: p.Phe468fs; shifts the reading frame from phenylalanine 468.
Molecular consequence: frameshift variant.
Genome position (GRCh38, 1-based): chr2:70,964,980-70,964,981, GT duplicated; duplicating any 2 consecutive bases within chr2:70,964,978-70,964,981 gives the same sequence; the c. name uses the placement nearest the transcript's 3' end. VCF-style (leftmost placement, unchanged base first): chr2-70964977-G-GGT. GRCh37 (hg19) VCF-style: chr2-71192107-G-GGT.
Other names: c.1401_1402dup (NM_001692.3); short protein forms F468fs.
Identifiers: ClinVar variation 1071558 (VCV001071558.12), dbSNP rs2104834712, ClinGen allele CA2580611649.